The following is an entry in ClinVar:

ClinVar aggregate classification (germline): Uncertain significance. Review status: criteria provided, single submitter (1 of 4 stars). 2 submissions from 2 submitters: Uncertain significance (1). 1 of the submissions does not count toward it. Last evaluated 2025-05-22.

Conditions:
Hereditary cancer-predisposing syndrome. Also called: Tumor predisposition; Hereditary Cancer Syndrome; Hereditary neoplastic syndrome; Neoplastic Syndromes, Hereditary. Identifiers: Orphanet 140162, MedGen C0027672, MeSH D009386, MONDO:0015356.
Multiple endocrine neoplasia type 4. Also called: MULTIPLE ENDOCRINE NEOPLASIA, TYPE IV. Identifiers: Orphanet 276152, MedGen C1970712, MONDO:0012552, OMIM 610755.

Submissions (2):

Ambry Genetics
Classification: Uncertain significance for Hereditary cancer-predisposing syndrome. Last evaluated: 2025-05-22. Review status: criteria provided, single submitter. Criteria: Ambry Variant Classification Scheme 2023. Collection method: clinical testing. Allele origin: germline.
Comment: The c.-454_-451delTTCC variant is located in the 5' untranslated region (5'UTR) of the CDKN1B gene. This variant results from a deletion of four nucleotides 451 nucleotides upstream from the first translated codon. This variant has been observed in at least one individual with a personal and/or family history that is consistent with CDKN1B-related multiple endocrine neoplasia (Occhi G et al. PLoS Genet, 2013 Mar;9:e1003350). Functional studies have demonstrated an inhibitory effect of this variant on CDKN1B expression (Occhi G et al. PLoS Genet, 2013 Mar;9:e1003350).. Based on the available evidence, the clinical significance of this alteration remains unclear.

OMIM
Classification: Pathogenic for MULTIPLE ENDOCRINE NEOPLASIA, TYPE IV. Last evaluated: 2013-03-01. Review status: no assertion criteria provided. Collection method: literature only. Allele origin: germline. Not counted in ClinVar's aggregate classification.

Literature cited by the submitters: PubMed 23555276 (cited by Ambry Genetics and OMIM).

NM_004064.5(CDKN1B):c.-454_-451del

Genes: CDKN1B (cyclin dependent kinase inhibitor 1B; plus strand), LOC130007457 (ATAC-STARR-seq lymphoblastoid active region 6026; plus strand). Cytogenetic location: 12p13.1.
Variant type: Deletion.
Coding change: c.-454_-451del on transcript NM_004064.5 (MANE Select); 454 bases upstream of the start codon through 451 bases upstream of the start codon, 4 bases deleted (TTCC; older notation c.-454_-451delTTCC).
Molecular consequence: 5 prime UTR variant.
Genome position (GRCh38, 1-based): chr12:12,717,386-12,717,389, TTCC deleted; deleting any 4 consecutive bases within chr12:12,717,384-12,717,389 gives the same sequence; the c. name uses the placement nearest the transcript's 3' end. VCF-style (leftmost placement, unchanged base first): chr12-12717383-CCCTT-C. GRCh37 (hg19) VCF-style: chr12-12870317-CCCTT-C.
Other names: c.-454_-451delTTCC (NM_004064.3).
Identifiers: ClinVar variation 183394 (VCV000183394.5), dbSNP rs786201010, ClinGen allele CA186092.